The following is an entry in ClinVar:

ClinVar aggregate classification (germline): Conflicting classifications of pathogenicity. Review status: criteria provided, conflicting classifications (1 of 4 stars). 3 submissions from 3 submitters: Uncertain significance (2); Likely benign (1). Last evaluated 2025-08-15.

Conditions:
Hereditary cancer-predisposing syndrome. Also called: Hereditary neoplastic syndrome; Tumor predisposition; Neoplastic Syndromes, Hereditary; Hereditary Cancer Syndrome. Identifiers: Orphanet 140162, MedGen C0027672, MeSH D009386, MONDO:0015356.
Hereditary breast ovarian cancer syndrome. Also called: Hereditary breast and ovarian cancer; Breast and ovarian cancer; BRCA1- and BRCA2-Associated Hereditary Breast and Ovarian Cancer; Hereditary breast and/or ovarian cancer syndrome; Hereditary breast and ovarian cancer syndrome; Hereditary breast and ovarian cancer syndrome (HBOC). Identifiers: Orphanet 145, MedGen C0677776, MeSH D061325, MONDO:0003582. Disease mechanism: loss of function.

Submissions (3):

Ambry Genetics
Classification: Uncertain significance for Hereditary cancer-predisposing syndrome. Last evaluated: 2025-08-15. Review status: criteria provided, single submitter. Criteria: Ambry Variant Classification Scheme 2023. Collection method: clinical testing. Allele origin: germline.
Comment: The p.S1437N variant (also known as c.4310G>A), located in coding exon 10 of the BRCA2 gene, results from a G to A substitution at nucleotide position 4310. The serine at codon 1437 is replaced by asparagine, an amino acid with highly similar properties. This amino acid position is conserved. In addition, this alteration is predicted to be tolerated by in silico analysis. Based on the available evidence, the clinical significance of this variant remains unclear.

Labcorp Genetics (formerly Invitae), Labcorp
Classification: Uncertain significance for Hereditary breast ovarian cancer syndrome. Last evaluated: 2024-01-08. Review status: criteria provided, single submitter. Criteria: Invitae Variant Classification Sherloc (09022015). Collection method: clinical testing. Allele origin: germline.
Comment: This sequence change replaces serine, which is neutral and polar, with asparagine, which is neutral and polar, at codon 1437 of the BRCA2 protein (p.Ser1437Asn). This variant is not present in population databases (gnomAD no frequency). This variant has not been reported in the literature in individuals affected with BRCA2-related conditions. ClinVar contains an entry for this variant (Variation ID: 1504780). Advanced modeling of protein sequence and biophysical properties (such as structural, functional, and spatial information, amino acid conservation, physicochemical variation, residue mobility, and thermodynamic stability) performed at Invitae indicates that this missense variant is not expected to disrupt BRCA2 protein function with a negative predictive value of 95%. In summary, the available evidence is currently insufficient to determine the role of this variant in disease. Therefore, it has been classified as a Variant of Uncertain Significance.

University of Washington Department of Laboratory Medicine, University of Washington
Classification: Likely benign for Hereditary cancer-predisposing syndrome. Last evaluated: 2023-03-23. Review status: criteria provided, single submitter. Criteria: Dines et al. (Genet Med. 2020). Collection method: curation. Allele origin: germline.
Comment: Missense variant in a coldspot region where missense variants are very unlikely to be pathogenic (PMID:31911673).

BRCA2 exon 11 coldspot. Reclassification based on statistical prior probability.

NM_000059.4(BRCA2):c.4310G>A (p.Ser1437Asn)

Gene: BRCA2 (BRCA2 DNA repair associated; plus strand). Cytogenetic location: 13q13.1.
Variant type: single nucleotide variant.
Coding change: c.4310G>A on transcript NM_000059.4 (MANE Select); coding-DNA position 4310, G replaced by A.
Protein change: p.Ser1437Asn; replaces serine 1437 with asparagine.
Molecular consequence: missense variant.
Genome position (GRCh38, 1-based): chr13:32,338,665, G>A. VCF-style: chr13-32338665-G-A. GRCh37 (hg19) VCF-style: chr13-32912802-G-A.
Other names: c.4310G>A (NM_000059.3); short protein forms S1437N.
Identifiers: ClinVar variation 1504780 (VCV001504780.10), dbSNP rs1403318277, ClinGen allele CA387780780.